The following is an entry in ClinVar:

NM_007294.4(BRCA1):c.5318C>T (p.Thr1773Ile)

Gene: BRCA1 (BRCA1 DNA repair associated; minus strand). Cytogenetic location: 17q21.31.
Variant type: single nucleotide variant.
Coding change: c.5318C>T on transcript NM_007294.4 (MANE Select); coding-DNA position 5318, C replaced by T.
Protein change: p.Thr1773Ile; replaces threonine 1773 with isoleucine.
Molecular consequence: missense variant. On other transcripts: non-coding transcript variant (1).
Genome position (GRCh38, 1-based): chr17:43,051,077, G>A on the plus strand (C>T on the coding strand, the complement: BRCA1 is on the minus strand). VCF-style: chr17-43051077-G-A. GRCh37 (hg19) VCF-style: chr17-41203094-G-A.
Other names: 5437C>T; c.5315C>T, p.Thr1772Ile (NM_001407614.1, NM_001407615.1, NM_001407616.1 and 17 more transcripts); c.5108C>T, p.Thr1703Ile (NM_001407879.1, NM_001407881.1, NM_001407882.1 and 5 more transcripts); c.5105C>T, p.Thr1702Ile (NM_001407894.1, NM_001407895.1, NM_001407908.1 and 12 more transcripts); c.1868C>T, p.Thr623Ile (NM_001408454.1, NM_001408455.1, NM_001408456.1 and 3 more transcripts); c.1865C>T, p.Thr622Ile (NM_001408458.1, NM_001408459.1, NM_001408460.1 and 7 more transcripts); c.5312C>T, p.Thr1771Ile (NM_001407633.1, NM_001407634.1, NM_001407635.1 and 14 more transcripts); c.5240C>T, p.Thr1747Ile (NM_001407655.1, NM_001407652.1, NM_001407653.1 and 1 more transcripts); and 73 more; short protein forms T1773I, T1726I, T669I, T1794I, T1476I, T1604I, T1619I, T1661I.
Identifiers: ClinVar variation 55522 (VCV000055522.22), dbSNP rs80357428, ClinGen allele CA003471.

ClinVar aggregate classification (germline): Conflicting classifications of pathogenicity. Review status: criteria provided, conflicting classifications (1 of 4 stars). 10 submissions from 10 submitters: Uncertain significance (5); Benign (1); Likely benign (1). 3 of the submissions do not count toward it. Last evaluated 2026-03-19.

Conditions:
Hereditary cancer-predisposing syndrome. Also called: Hereditary Cancer Syndrome; Hereditary neoplastic syndrome; Neoplastic Syndromes, Hereditary; Tumor predisposition. Identifiers: Orphanet 140162, MedGen C0027672, MeSH D009386, MONDO:0015356.
Hereditary breast ovarian cancer syndrome. Also called: BRCA1- and BRCA2-Associated Hereditary Breast and Ovarian Cancer; Hereditary breast and ovarian cancer syndrome; Hereditary breast and ovarian cancer syndrome (HBOC); Breast and ovarian cancer; Hereditary breast and/or ovarian cancer syndrome; Hereditary breast and ovarian cancer. Identifiers: Orphanet 145, MedGen C0677776, MeSH D061325, MONDO:0003582. Disease mechanism: loss of function.
Breast-ovarian cancer, familial, susceptibility to, 1 (BROVCA1). Also called: BRCA1 Hereditary Breast and Ovarian Cancer; OVARIAN CANCER, SUSCEPTIBILITY TO. Identifiers: Orphanet 145, MedGen C2676676, MONDO:0011450, OMIM 604370. Disease mechanism: loss of function.

Allele frequency attached by ClinVar (database versions not stated): gnomAD exomes 0.00001.
gnomAD v4.1: 9 of 1,614,100 alleles (0.00056%); highest among the groups gnomAD compares: East Asian, 0.016%; no homozygotes.

Submissions (11):

Myriad Genetics, Inc.
Classification: Benign for Breast-ovarian cancer, familial, susceptibility to, 1. Last evaluated: 2026-03-19. Review status: criteria provided, single submitter. Criteria: Myriad Autosomal Dominant, Autosomal Recessive and X-Linked Classification Criteria (2023). Collection method: clinical testing. Allele origin: unknown.
Comment: This variant is considered benign. This variant been observed in trans with a known pathogenic variant in one or more individuals. Compound heterozygosity for pathogenic variants in this gene is generally assumed to result in embryonic lethality. This variant is strongly associated with less severe personal and family histories of cancer, typical for individuals without pathogenic variants in this gene [PMID: 25085752].

Center for Genomic Medicine, Rigshospitalet, Copenhagen University Hospital
Classification: Uncertain significance. Last evaluated: 2025-03-04. Review status: criteria provided, single submitter. Criteria: ACMG Guidelines, 2015. Collection method: clinical testing. Allele origin: germline.

Labcorp Genetics (formerly Invitae), Labcorp
Classification: Uncertain significance for Hereditary breast ovarian cancer syndrome. Last evaluated: 2024-08-06. Review status: criteria provided, single submitter. Criteria: Invitae Variant Classification Sherloc (09022015). Collection method: clinical testing. Allele origin: germline.
Comment: This sequence change replaces threonine, which is neutral and polar, with isoleucine, which is neutral and non-polar, at codon 1773 of the BRCA1 protein (p.Thr1773Ile). This variant is not present in population databases (gnomAD no frequency). This missense change has been observed in individual(s) with breast cancer (PMID: 30287823, 31159747). ClinVar contains an entry for this variant (Variation ID: 55522). Advanced modeling performed at Invitae incorporating data from internal and/or published experimental studies (PMID: 30209399) indicates that this missense variant is not expected to disrupt BRCA1 function with a negative predictive value of 95%. Experimental studies have shown that this missense change does not substantially affect BRCA1 function (PMID: 20516115, 30209399, 30765603). In summary, the available evidence is currently insufficient to determine the role of this variant in disease. Therefore, it has been classified as a Variant of Uncertain Significance.

Ambry Genetics
Classification: Likely benign for Hereditary cancer-predisposing syndrome. Last evaluated: 2021-08-30. Review status: criteria provided, single submitter. Criteria: Ambry Variant Classification Scheme 2023. Collection method: clinical testing. Allele origin: germline.

GeneDx
Classification: Uncertain significance. Last evaluated: 2020-02-21. Review status: criteria provided, single submitter. Criteria: GeneDx Variant Classification Process June 2021. Collection method: clinical testing. Allele origin: germline. Affected: yes.
Comment: Not observed in large population cohorts (Lek 2016); In silico analysis supports that this missense variant has a deleterious effect on protein structure/function; Observed in individuals with breast cancer and in healthy controls (Momozawa 2018); Also known as 5437C>T; This variant is associated with the following publications: (PMID: 30209399, 31159747, 20516115, 30287823, 28781887, 30765603)

Color Diagnostics, LLC DBA Color Health
Classification: Uncertain significance for Hereditary cancer-predisposing syndrome. Last evaluated: 2019-06-15. Review status: criteria provided, single submitter. Criteria: ACMG Guidelines, 2015. Collection method: clinical testing. Allele origin: germline.

GeneKor MSA
Classification: Uncertain significance for Hereditary cancer-predisposing syndrome. Last evaluated: 2018-08-01. Review status: criteria provided, single submitter. Criteria: ACMG Guidelines, 2015. Collection method: clinical testing. Allele origin: germline. Affected: yes.

Research Molecular Genetics Laboratory, Women's College Hospital, University of Toronto
Classification: Uncertain significance. Last evaluated: 2014-01-31. Review status: no assertion criteria provided. Collection method: research. Allele origin: germline. Affected: yes. Study: The Canadian Open Genetics Repository (COGR). Not counted in ClinVar's aggregate classification.

Sharing Clinical Reports Project (SCRP)
Classification: Uncertain significance for Breast-ovarian cancer, familial 1. Last evaluated: 2008-05-22. Review status: no assertion criteria provided. Collection method: clinical testing. Allele origin: germline. Not counted in ClinVar's aggregate classification.

Breast Cancer Information Core (BIC) (BRCA1)
Classification: Uncertain significance for Breast-ovarian cancer, familial 1. Last evaluated: 2004-11-25. Review status: no assertion criteria provided. Collection method: clinical testing. Allele origin: germline. Affected: yes. Observed: 1 variant allele. Not counted in ClinVar's aggregate classification.

Brotman Baty Institute, University of Washington
No classification provided (evidence only). Condition: Breast-ovarian cancer, familial 1. Review status: no classification provided. Collection method: in vitro. Allele origin: not applicable. Functional consequence: functionally_normal. Not counted in ClinVar's aggregate classification.
ClinVar note: "not provided" was previously submitted as the classification for the variant. However, the classification appeared to be based only on an observation of functional data so it was converted to no classification on 2025-07-30.

Literature cited by the submitters: PubMed 25085752 (cited by Myriad Genetics, Inc.); PubMed 30287823 (cited by Labcorp Genetics (formerly Invitae), Labcorp and Ambry Genetics); PubMed 31159747 (cited by Labcorp Genetics (formerly Invitae), Labcorp and Ambry Genetics); PubMed 30209399 (cited by Labcorp Genetics (formerly Invitae), Labcorp and Ambry Genetics); PubMed 20516115 (cited by Labcorp Genetics (formerly Invitae), Labcorp and Ambry Genetics); PubMed 30765603 (cited by Labcorp Genetics (formerly Invitae), Labcorp); PubMed 28781887 (cited by Ambry Genetics).